The following is an entry in ClinVar:

ClinVar aggregate classification (germline): Uncertain significance (1 of 4 stars; one submission).

Conditions:
Multiple congenital exostosis (EXT). Also called: MULTIPLE CARTILAGINOUS EXOSTOSES; Multiple exostoses; Hereditary multiple osteochondromas; Hereditary multiple exostoses; Hereditary multiple exostosis; Multiple osteochondromas. Identifiers: Orphanet 321, MedGen C0015306, MONDO:0005508, HP:0002762.

Submission:

Labcorp Genetics (formerly Invitae), Labcorp
Classification: Uncertain significance for Multiple congenital exostosis. Last evaluated: 2025-01-27. Review status: criteria provided, single submitter. Criteria: Invitae Variant Classification Sherloc (09022015). Collection method: clinical testing. Allele origin: germline.
Comment: This sequence change replaces arginine, which is basic and polar, with glutamine, which is neutral and polar, at codon 227 of the EXT1 protein (p.Arg227Gln). This variant is not present in population databases (gnomAD no frequency). This variant has not been reported in the literature in individuals affected with EXT1-related conditions. Invitae Evidence Modeling of protein sequence and biophysical properties (such as structural, functional, and spatial information, amino acid conservation, physicochemical variation, residue mobility, and thermodynamic stability) indicates that this missense variant is expected to disrupt EXT1 protein function with a positive predictive value of 80%. In summary, the available evidence is currently insufficient to determine the role of this variant in disease. Therefore, it has been classified as a Variant of Uncertain Significance.

NM_000127.3(EXT1):c.680G>A (p.Arg227Gln)

Gene: EXT1 (exostosin glycosyltransferase 1; minus strand). Cytogenetic location: 8q24.11.
Variant type: single nucleotide variant.
Coding change: c.680G>A on transcript NM_000127.3 (MANE Select); coding-DNA position 680, G replaced by A.
Protein change: p.Arg227Gln; replaces arginine 227 with glutamine.
Molecular consequence: missense variant.
Genome position (GRCh38, 1-based): chr8:118,110,367, C>T on the plus strand (G>A on the coding strand, the complement: EXT1 is on the minus strand). VCF-style: chr8-118110367-C-T. GRCh37 (hg19) VCF-style: chr8-119122606-C-T.
Other names: short protein forms R227Q.
Identifiers: ClinVar variation 3716134 (VCV003716134.2).
Genomic context (GRCh38, chr8:118,110,367, plus strand): 5'-TCCCCTCCTGTCCTGGGATGATCCTTAGAAAAGAGGGGAATAGAAACATCAAAGTTGGGT[C>T]GGAAGTTTTCAGTACTGATGCTGGCTTTGGCCAGCATCGCCTGGCCGATGTCAAACCCCA-3'
Protein context (NP_000118.2, residues 217-237): AKASISTENF[Arg227Gln]PNFDVSIPLF